The following is an entry in ClinVar:

ClinVar aggregate classification (germline): Uncertain significance. Review status: criteria provided, multiple submitters, no conflicts (2 of 4 stars). 2 submissions from 2 submitters: Uncertain significance (2). Last evaluated 2024-12-12.

Conditions:
Regional enteritis. Also called: Enteritis, Granulomatous. Identifiers: MedGen C0678202, MeSH D003424.
Blau syndrome (BLAUS). Also called: ARTHROCUTANEOUVEAL GRANULOMATOSIS; GRANULOMATOSIS, FAMILIAL JUVENILE SYSTEMIC; GRANULOMATOSIS, FAMILIAL, BLAU TYPE; GRANULOMATOUS INFLAMMATORY ARTHRITIS, DERMATITIS, AND UVEITIS, FAMILIAL; JABS SYNDROME. Identifiers: Orphanet 90340, MedGen C5201146, MONDO:0008523, OMIM 186580.
Inborn genetic diseases. Identifiers: MedGen C0950123, MeSH D030342.

gnomAD v4.1: 1 of 1,614,148 alleles (0.000062%); highest among the groups gnomAD compares: Admixed American, 0.0017%; no homozygotes.

Submissions (2):

Labcorp Genetics (formerly Invitae), Labcorp
Classification: Uncertain significance for Regional enteritis; Blau syndrome. Last evaluated: 2024-12-12. Review status: criteria provided, single submitter. Criteria: Invitae Variant Classification Sherloc (09022015). Collection method: clinical testing. Allele origin: germline.
Comment: This sequence change replaces leucine, which is neutral and non-polar, with valine, which is neutral and non-polar, at codon 103 of the NOD2 protein (p.Leu103Val). This variant is present in population databases (no rsID available, gnomAD 0.003%). This variant has not been reported in the literature in individuals affected with NOD2-related conditions. Invitae Evidence Modeling of protein sequence and biophysical properties (such as structural, functional, and spatial information, amino acid conservation, physicochemical variation, residue mobility, and thermodynamic stability) has been performed for this missense variant. However, the output from this modeling did not meet the statistical confidence thresholds required to predict the impact of this variant on NOD2 protein function. In summary, the available evidence is currently insufficient to determine the role of this variant in disease. Therefore, it has been classified as a Variant of Uncertain Significance.

Ambry Genetics
Classification: Uncertain significance for Inborn genetic diseases. Last evaluated: 2024-08-21. Review status: criteria provided, single submitter. Criteria: Ambry Variant Classification Scheme 2023. Collection method: clinical testing. Allele origin: germline.

NM_001370466.1(NOD2):c.226C>G (p.Leu76Val)

Gene: NOD2 (nucleotide binding oligomerization domain containing 2; plus strand). Cytogenetic location: 16q12.1.
Variant type: single nucleotide variant.
Coding change: c.226C>G on transcript NM_001370466.1 (MANE Select); coding-DNA position 226, C replaced by G.
Protein change: p.Leu76Val; replaces leucine 76 with valine.
Molecular consequence: missense variant. On other transcripts: non-coding transcript variant (1).
Genome position (GRCh38, 1-based): chr16:50,699,721, C>G. VCF-style: chr16-50699721-C-G. GRCh37 (hg19) VCF-style: chr16-50733632-C-G.
Other names: c.226C>G, p.Leu76Val (NM_001293557.2); c.307C>G, p.Leu103Val (NM_022162.3); short protein forms L103V, L76V.
Identifiers: ClinVar variation 3406513 (VCV003406513.3).